The following is an entry in ClinVar:

NM_005720.4(ARPC1B):c.589G>C (p.Glu197Gln)

Gene: ARPC1B (actin related protein 2/3 complex subunit 1B; plus strand). Cytogenetic location: 7q22.1.
Variant type: single nucleotide variant.
Coding change: c.589G>C on transcript NM_005720.4 (MANE Select); coding-DNA position 589, G replaced by C.
Protein change: p.Glu197Gln; replaces glutamic acid 197 with glutamine.
Molecular consequence: missense variant.
Genome position (GRCh38, 1-based): chr7:99,390,981, G>C. VCF-style: chr7-99390981-G-C. GRCh37 (hg19) VCF-style: chr7-98988604-G-C.
Other names: short protein forms E197Q.
Identifiers: ClinVar variation 2121878 (VCV002121878.1), dbSNP rs145131136, ClinGen allele CA368323286.

ClinVar aggregate classification (germline): Uncertain significance (1 of 4 stars; one submission).

Submission:

Labcorp Genetics (formerly Invitae), Labcorp
Classification: Uncertain significance. Last evaluated: 2022-04-15. Review status: criteria provided, single submitter. Criteria: Invitae Variant Classification Sherloc (09022015). Collection method: clinical testing. Allele origin: germline.
Comment: This sequence change replaces glutamic acid, which is acidic and polar, with glutamine, which is neutral and polar, at codon 197 of the ARPC1B protein (p.Glu197Gln). This variant is not present in population databases (gnomAD no frequency). This variant has not been reported in the literature in individuals affected with ARPC1B-related conditions. Algorithms developed to predict the effect of missense changes on protein structure and function (SIFT, PolyPhen-2, Align-GVGD) all suggest that this variant is likely to be disruptive. In summary, the available evidence is currently insufficient to determine the role of this variant in disease. Therefore, it has been classified as a Variant of Uncertain Significance.